The following is an entry in ClinVar:

NM_014714.4(IFT140):c.1418C>T (p.Ala473Val)

Genes: IFT140 (intraflagellar transport 140; minus strand), LOC105371046 (uncharacterized LOC105371046; plus strand). Cytogenetic location: 16p13.3.
Variant type: single nucleotide variant.
Coding change: c.1418C>T on transcript NM_014714.4 (MANE Select); coding-DNA position 1418, C replaced by T.
Protein change: p.Ala473Val; replaces alanine 473 with valine.
Molecular consequence: missense variant.
Genome position (GRCh38, 1-based): chr16:1,583,328, G>A on the plus strand (C>T on the coding strand, the complement: IFT140 is on the minus strand). VCF-style: chr16-1583328-G-A. GRCh37 (hg19) VCF-style: chr16-1633329-G-A.
Other names: c.1418C>T (NM_014714.3); short protein forms A473V.
Identifiers: ClinVar variation 1412175 (VCV001412175.10), dbSNP rs765322119, ClinGen allele CA7814310.
Genomic context (GRCh38, chr16:1,583,328, plus strand): 5'-AAAGCCAGGTAGTGGGAGTGCCTCTGTCCGGGTGAAAAGAACCCACCTGCACTCCGTATC[G>A]CGGCTCCAGAAAGCTCGAAGATCGCCACCTGCCTTCCGTTCCAGACTGCGACAGCATCCT-3'
Protein context (NP_055529.2, residues 463-483): QVAIFELSGA[Ala473Val]IRSAGTFLCE

ClinVar aggregate classification (germline): Conflicting classifications of pathogenicity. Review status: criteria provided, conflicting classifications (1 of 4 stars). 3 submissions from 3 submitters: Uncertain significance (2); Likely benign (1). Last evaluated 2026-02-17.

Conditions:
Saldino-Mainzer syndrome (SRTD9). Also called: CONORENAL SYNDROME; Renal dysplasia, retinal pigmentary dystrophy, cerebellar ataxia and skeletal dysplasia; SHORT-RIB THORACIC DYSPLASIA 9 WITHOUT POLYDACTYLY; short-rib thoracic dysplasia 9 with or without polydactyly. Identifiers: Orphanet 140969, MedGen C1849437, MONDO:0009964, OMIM 266920.
Retinitis pigmentosa 80 (RP80). Identifiers: MedGen C4540439, MONDO:0054708, OMIM 617781.
Inborn genetic diseases. Identifiers: MedGen C0950123, MeSH D030342.

Allele frequency attached by ClinVar (database versions not stated): gnomAD exomes 0.00001; ExAC 0.00002.

Submissions (3):

Ambry Genetics
Classification: Likely benign for Inborn genetic diseases. Last evaluated: 2026-02-17. Review status: criteria provided, single submitter. Criteria: Ambry Variant Classification Scheme 2023. Collection method: clinical testing. Allele origin: germline.

Labcorp Genetics (formerly Invitae), Labcorp
Classification: Uncertain significance for Saldino-Mainzer syndrome. Last evaluated: 2026-01-06. Review status: criteria provided, single submitter. Criteria: Invitae Variant Classification Sherloc (09022015). Collection method: clinical testing. Allele origin: germline.
Comment: This sequence change replaces alanine, which is neutral and non-polar, with valine, which is neutral and non-polar, at codon 473 of the IFT140 protein (p.Ala473Val). This variant is present in population databases (rs765322119, gnomAD 0.01%). This variant has not been reported in the literature in individuals affected with IFT140-related conditions. ClinVar contains an entry for this variant (Variation ID: 1412175). Invitae Evidence Modeling of protein sequence and biophysical properties (such as structural, functional, and spatial information, amino acid conservation, physicochemical variation, residue mobility, and thermodynamic stability) indicates that this missense variant is not expected to disrupt IFT140 protein function with a negative predictive value of 95%. In summary, the available evidence is currently insufficient to determine the role of this variant in disease. Therefore, it has been classified as a Variant of Uncertain Significance.

Fulgent Genetics
Classification: Uncertain significance for Saldino-Mainzer syndrome; Retinitis pigmentosa 80. Last evaluated: 2024-02-07. Review status: criteria provided, single submitter. Criteria: ACMG Guidelines, 2015. Collection method: clinical testing. Allele origin: germline.